The following is an entry in ClinVar:

ClinVar aggregate classification (germline): Uncertain significance (1 of 4 stars; one submission).

Submission:

GeneDx
Classification: Uncertain significance. Last evaluated: 2016-04-15. Review status: criteria provided, single submitter. Criteria: GeneDx Variant Classification (06012015). Collection method: clinical testing. Allele origin: germline. Affected: yes.
Comment: The D1908Y variant in the ATRX gene has not been reported previously as a pathogenic variant, nor as a benign variant, to our knowledge. The D1908Y variant was not observed in approximately 6500 individuals of European and African American ancestry in the NHLBI Exome Sequencing Project, indicating it is not a common benign variant in these populations. The D1908Y variant is a non-conservative amino acid substitution, which is likely to impact secondary protein structure as these residues differ in polarity, charge, size and/or other properties. This substitution occurs at a position where amino acids with similar properties to Aspartic acid are tolerated across species. In silico analysis predicts this variant is probably damaging to the protein structure/function. As an alternate mechanism, this variant is also predicted to create a cryptic donor site upstream of the natural donor splice site for intron 24, which could lead to abnormal gene splicing. However, in the absence of RNA/functional studies, the actual effect of D1908Y is unknown. The adjacent missense variant, M1907I, has been reported in the Human Gene Mutation Database in association with ATRX-related disorders (Stenson et al., 2014), supporting the functional importance of this region of the protein. In summary, we interpret D1908Y as a variant of uncertain significance.

NM_000489.6(ATRX):c.5722G>T (p.Asp1908Tyr)

Gene: ATRX (ATRX chromatin remodeler; minus strand). Cytogenetic location: Xq21.1.
Variant type: single nucleotide variant.
Coding change: c.5722G>T on transcript NM_000489.6 (MANE Select); coding-DNA position 5722, G replaced by T.
Protein change: p.Asp1908Tyr; replaces aspartic acid 1908 with tyrosine.
Molecular consequence: missense variant.
Genome position (GRCh38, 1-based): chrX:77,599,796, C>A on the plus strand (G>T on the coding strand, the complement: ATRX is on the minus strand). VCF-style: chrX-77599796-C-A. GRCh37 (hg19) VCF-style: chrX-76855265-C-A.
Other names: c.5608G>T, p.Asp1870Tyr (NM_138270.5); short protein forms D1908Y, D1870Y.
Identifiers: ClinVar variation 385652 (VCV000385652.2), dbSNP rs1057522290, ClinGen allele CA16608990.